The following is an entry in ClinVar:

ClinVar aggregate classification (germline): Pathogenic (1 of 4 stars; one submission).

Submission:

Labcorp Genetics (formerly Invitae), Labcorp
Classification: Pathogenic. Last evaluated: 2022-09-27. Review status: criteria provided, single submitter. Criteria: Invitae Variant Classification Sherloc (09022015). Collection method: clinical testing. Allele origin: germline.
Comment: A copy number gain of the genomic region encompassing the full coding sequence of the PRDM13 gene has been identified. The boundaries of this event are unknown as they extend beyond the assayed region for this gene and therefore may encompass additional genes. As the precise location of this event is unknown, it may be in tandem or it may be located elsewhere in the genome. A similar copy number variant has been observed in individual(s) with North Carolina macular dystrophy (PMID: 26507665). It has also been observed to segregate with disease in related individuals. For these reasons, this variant has been classified as Pathogenic.

Literature cited by the submitters: PubMed 26507665.

NC_000006.11:g.(?_100040906)_(100062635_?)dup

Gene: PRDM13 (PR/SET domain 13; plus strand). Cytogenetic location: 6q16.2.
Variant type: Duplication.
Identifiers: ClinVar variation 2426678 (VCV002426678.3).